The following is an entry in ClinVar:

NM_001283009.2(RTEL1):c.3278A>G (p.Asp1093Gly)

Genes: RTEL1-TNFRSF6B (RTEL1-TNFRSF6B readthrough (NMD candidate); plus strand), RTEL1 (regulator of telomere elongation helicase 1; plus strand). Cytogenetic location: 20q13.33.
Variant type: single nucleotide variant.
Coding change: c.3278A>G on transcript NM_001283009.2 (MANE Select); coding-DNA position 3278, A replaced by G.
Protein change: p.Asp1093Gly; replaces aspartic acid 1093 with glycine.
Molecular consequence: missense variant. On other transcripts: non-coding transcript variant (1).
Genome position (GRCh38, 1-based): chr20:63,694,909, A>G. VCF-style: chr20-63694909-A-G. GRCh37 (hg19) VCF-style: chr20-62326262-A-G.
Other names: c.3350A>G (NM_032957.4); c.2609A>G, p.Asp870Gly (NM_001283010.1); c.3278A>G, p.Asp1093Gly (NM_016434.4); c.3350A>G, p.Asp1117Gly (NM_032957.5); short protein forms D870G, D1093G, D1117G.
Identifiers: ClinVar variation 946262 (VCV000946262.8), dbSNP rs374338519, ClinGen allele CA9965934.

ClinVar aggregate classification (germline): Uncertain significance. Review status: criteria provided, multiple submitters, no conflicts (2 of 4 stars). 3 submissions from 3 submitters: Uncertain significance (2). 1 of the submissions does not count toward it. Last evaluated 2024-11-18.

Conditions:
Pulmonary fibrosis and/or bone marrow failure, Telomere-related, 3. Also called: PULMONARY FIBROSIS AND/OR BONE MARROW FAILURE SYNDROME, TELOMERE-RELATED, 3. Identifiers: Orphanet 2032, MedGen C4225346, MONDO:0014613, OMIM 616373.
Dyskeratosis congenita, autosomal recessive 5 (DKCB5). Identifiers: MedGen C3554656, MONDO:0014076, OMIM 615190.
Dyskeratosis congenita. Identifiers: Orphanet 1775, MedGen C0265965, MONDO:0015780.
Inborn genetic diseases. Identifiers: MedGen C0950123, MeSH D030342.

Allele frequency attached by ClinVar (database versions not stated): gnomAD exomes 0.00002 and 0.00004; ExAC 0.00004; TOPMed 0.00012; ESP Exome Variant Server 0.00015; gnomAD 0.00016 and 0.00019.
gnomAD v4.1: 49 of 1,612,474 alleles (0.003%); highest among the groups gnomAD compares: African/African-American, 0.055%; no homozygotes.

Submissions (3):

Labcorp Genetics (formerly Invitae), Labcorp
Classification: Uncertain significance for Dyskeratosis congenita, autosomal recessive 5; Pulmonary fibrosis and/or bone marrow failure, Telomere-related, 3. Last evaluated: 2024-11-18. Review status: criteria provided, single submitter. Criteria: Invitae Variant Classification Sherloc (09022015). Collection method: clinical testing. Allele origin: germline.
Comment: This sequence change replaces aspartic acid, which is acidic and polar, with glycine, which is neutral and non-polar, at codon 1093 of the RTEL1 protein (p.Asp1093Gly). This variant is present in population databases (rs374338519, gnomAD 0.07%). This variant has not been reported in the literature in individuals affected with RTEL1-related conditions. ClinVar contains an entry for this variant (Variation ID: 946262). An algorithm developed to predict the effect of missense changes on protein structure and function outputs the following: PolyPhen-2: "Benign". The glycine amino acid residue is found in multiple mammalian species, which suggests that this missense change does not adversely affect protein function. In summary, the available evidence is currently insufficient to determine the role of this variant in disease. Therefore, it has been classified as a Variant of Uncertain Significance.

Ambry Genetics
Classification: Uncertain significance for Inborn genetic diseases. Last evaluated: 2023-10-05. Review status: criteria provided, single submitter. Criteria: Ambry Variant Classification Scheme 2023. Collection method: clinical testing. Allele origin: germline.

Natera, Inc.
Classification: Uncertain significance for Dyskeratosis congenita. Last evaluated: 2020-04-28. Review status: no assertion criteria provided. Collection method: clinical testing. Allele origin: germline. Not counted in ClinVar's aggregate classification.